The following is an entry in ClinVar:

NM_199420.4(POLQ):c.2108T>A (p.Val703Glu)

Gene: POLQ (DNA polymerase theta; minus strand). Cytogenetic location: 3q13.33.
Variant type: single nucleotide variant.
Coding change: c.2108T>A on transcript NM_199420.4 (MANE Select); coding-DNA position 2108, T replaced by A.
Protein change: p.Val703Glu; replaces valine 703 with glutamic acid.
Molecular consequence: missense variant.
Genome position (GRCh38, 1-based): chr3:121,498,522, A>T on the plus strand (T>A on the coding strand, the complement: POLQ is on the minus strand). VCF-style: chr3-121498522-A-T. GRCh37 (hg19) VCF-style: chr3-121217369-A-T.
Other names: short protein forms V703E.
Identifiers: ClinVar variation 3422670 (VCV003422670.1).
Genomic context (GRCh38, chr3:121,498,522, plus strand): 5'-GACCTTGACGTTTACCTTTTATGGATGGCCATTTGTCGATGCTGTCTCTCAGTTCTGGCT[A>T]CTACTTTTCCTTTCACACAACGGGCCAAGAACCCCTCTTCAACTCCCACTAGCTCTGCCA-3'
Protein context (NP_955452.3, residues 693-713): FLARCVKGKV[Val703Glu]ARTERQHRQM

ClinVar aggregate classification (germline): Uncertain significance (1 of 4 stars; one submission).

Submission:

Ambry Genetics
Classification: Uncertain significance. Last evaluated: 2024-11-16. Review status: criteria provided, single submitter. Criteria: Ambry Variant Classification Scheme 2023. Collection method: clinical testing. Allele origin: germline.
Comment: The p.V703E variant (also known as c.2108T>A), located in coding exon 13 of the POLQ gene, results from a T to A substitution at nucleotide position 2108. The valine at codon 703 is replaced by glutamic acid, an amino acid with dissimilar properties. This amino acid position is conserved. In addition, this alteration is predicted to be tolerated by in silico analysis. Based on the available evidence, the clinical significance of this variant remains unclear.